The following is an entry in ClinVar:

NM_006231.4(POLE):c.4817T>C (p.Phe1606Ser)

Gene: POLE (DNA polymerase epsilon, catalytic subunit; minus strand). Cytogenetic location: 12q24.33.
Variant type: single nucleotide variant.
Coding change: c.4817T>C on transcript NM_006231.4 (MANE Select); coding-DNA position 4817, T replaced by C.
Protein change: p.Phe1606Ser; replaces phenylalanine 1606 with serine.
Molecular consequence: missense variant.
Genome position (GRCh38, 1-based): chr12:132,642,641, A>G on the plus strand (T>C on the coding strand, the complement: POLE is on the minus strand). VCF-style: chr12-132642641-A-G. GRCh37 (hg19) VCF-style: chr12-133219227-A-G.
Other names: short protein forms F1606S.
Identifiers: ClinVar variation 1743324 (VCV001743324.2), dbSNP rs2541886057, ClinGen allele CA387378295.

ClinVar aggregate classification (germline): Uncertain significance (1 of 4 stars; one submission).

Conditions:
Hereditary cancer-predisposing syndrome. Also called: Hereditary Cancer Syndrome; Neoplastic Syndromes, Hereditary; Tumor predisposition; Hereditary neoplastic syndrome. Identifiers: Orphanet 140162, MedGen C0027672, MeSH D009386, MONDO:0015356.

Submission:

Ambry Genetics
Classification: Uncertain significance for Hereditary cancer-predisposing syndrome. Last evaluated: 2021-07-20. Review status: criteria provided, single submitter. Criteria: Ambry Variant Classification Scheme 2023. Collection method: clinical testing. Allele origin: germline.
Comment: The p.F1606S variant (also known as c.4817T>C), located in coding exon 37 of the POLE gene, results from a T to C substitution at nucleotide position 4817. The phenylalanine at codon 1606 is replaced by serine, an amino acid with highly dissimilar properties. This amino acid position is conserved. In addition, this alteration is predicted to be deleterious by in silico analysis. Since supporting evidence is limited at this time, the clinical significance of this alteration remains unclear.